The following is an entry in ClinVar:

ClinVar aggregate classification (germline): Uncertain significance (1 of 4 stars; one submission).

Submission:

Dasa
Classification: Uncertain significance. Last evaluated: 2025-07-30. Review status: criteria provided, single submitter. Criteria: DASA Assertion Criteria. Collection method: clinical testing. Allele origin: germline.
Comment: NM_000132.4(F8):c.587T>C (p.Leu196Pro) is a missense variant that results in the substitution of leucine with proline. This variant is absent from population databases. Computational prediction algorithms are consistent with a deleterious effect. The currently available literature and clinical evidence are not sufficient to establish a definitive association between this variant and the reported condition. Therefore, this variant is classified as a variant of uncertain significance.

NM_000132.4(F8):c.587T>C (p.Leu196Pro)

Gene: F8 (coagulation factor VIII; minus strand). Cytogenetic location: Xq28.
Variant type: single nucleotide variant.
Coding change: c.587T>C on transcript NM_000132.4 (MANE Select); coding-DNA position 587, T replaced by C.
Protein change: p.Leu196Pro; replaces leucine 196 with proline.
Molecular consequence: missense variant.
Genome position (GRCh38, 1-based): chrX:154,992,950, A>G on the plus strand (T>C on the coding strand, the complement: F8 is on the minus strand). VCF-style: chrX-154992950-A-G. GRCh37 (hg19) VCF-style: chrX-154221225-A-G.
Other names: short protein forms L196P.
Identifiers: ClinVar variation 4882331 (VCV004882331.2).